The following is an entry in ClinVar:

NM_006517.5(SLC16A2):c.840C>A (p.Tyr280Ter)

Gene: SLC16A2 (solute carrier family 16 member 2; plus strand). Cytogenetic location: Xq13.2.
Variant type: single nucleotide variant.
Coding change: c.840C>A on transcript NM_006517.5 (MANE Select); coding-DNA position 840, C replaced by A.
Protein change: p.Tyr280Ter; replaces tyrosine 280 with a stop codon.
Molecular consequence: nonsense.
Genome position (GRCh38, 1-based): chrX:74,524,623, C>A. VCF-style: chrX-74524623-C-A. GRCh37 (hg19) VCF-style: chrX-73744458-C-A.
Other names: short protein forms Y280*.
Identifiers: ClinVar variation 1192190 (VCV001192190.1), dbSNP rs2147870607, ClinGen allele CA413657405.

ClinVar aggregate classification (germline): Likely pathogenic (1 of 4 stars; one submission).

Conditions:
Allan-Herndon-Dudley syndrome (AHDS). Also called: ALLAN-HERNDON SYNDROME; Passos-Bueno syndrome; MENTAL RETARDATION AND MUSCULAR ATROPHY; T3 RESISTANCE; TRIIODOTHYRONINE RESISTANCE. Identifiers: Orphanet 59, MedGen C0795889, MONDO:0010354, OMIM 300523.

Submission:

Women's Health and Genetics/Laboratory Corporation of America, LabCorp
Classification: Likely pathogenic for Allan-Herndon-Dudley syndrome. Last evaluated: 2021-07-23. Review status: criteria provided, single submitter. Criteria: LabCorp Variant Classification Summary - May 2015. Collection method: clinical testing. Allele origin: germline.
Comment: Variant summary: SLC16A2 c.840C>A (p.Tyr280X) results in a premature termination codon, predicted to cause a truncation of the encoded protein or absence of the protein due to nonsense mediated decay, which are commonly known mechanisms for disease. Truncations downstream of this position have been reported in the HGMD and ClinVar databases associated with Allan-Herndon-Dudley Syndrome (example: p.Q306X, p.W324X, p.W357X, p.S374X). The variant was absent in 183094 control chromosomes (gnomAD). To our knowledge, no occurrence of c.840C>A in individuals affected with Allan-Herndon-Dudley Syndrome and no experimental evidence demonstrating its impact on protein function have been reported. No clinical diagnostic laboratories have submitted clinical-significance assessments for this variant to ClinVar after 2014. Based on the evidence outlined above, the variant was classified as likely pathogenic.